The following is an entry in ClinVar:

ClinVar aggregate classification (germline): Uncertain significance (1 of 4 stars; one submission).

Conditions:
ERBIN-related disorder. Also called: ERBIN-related condition.

Submission:

PreventionGenetics, part of Exact Sciences
Classification: Uncertain significance for ERBIN-related condition. Last evaluated: 2023-07-18. Review status: criteria provided, single submitter. Criteria: ACMG Guidelines, 2015. Collection method: clinical testing. Allele origin: germline.
Comment: The ERBIN c.1309_1313del5 variant is predicted to result in a frameshift and premature protein termination (p.Met437Tyrfs*4). To our knowledge, this variant has not been reported in the literature or in a large population database, indicating this variant is rare. A limited number of frameshift variants have been reported in the literature. At this time, the clinical significance of this variant is uncertain due to the absence of conclusive functional and genetic evidence.

NM_001006600.2(ERBIN):c.1309_1313del5

Gene: ERBIN (erbb2 interacting protein; plus strand). Cytogenetic location: 5q12.3.
Variant type: Deletion.
Coding change: c.1309_1313del5 on transcript NM_001006600.2; coding-DNA positions 1309 to 1313, 5 bases deleted (ATGTT; older notation c.1309_1313del5ATGTT).
Genome position (GRCh38, 1-based): chr5:66,043,079-66,043,083, ATGTT deleted; deleting any 5 consecutive bases within chr5:66,043,076-66,043,083 gives the same sequence; the c. name uses the placement nearest the transcript's 3' end. VCF-style (leftmost placement, unchanged base first): chr5-66043075-AGTTAT-A. GRCh37 (hg19) VCF-style: chr5-65338903-AGTTAT-A.
Identifiers: ClinVar variation 2631356 (VCV002631356.1), dbSNP rs2546775144, ClinGen allele CA2695198609.
Genomic context (GRCh38, chr5:66,043,075, plus strand): 5'-AGTGATAGTTTTCCATAATTACAGTAAAATATAGTAGGTTTTTGTTTTTTACTTTTCTCT[AGTTAT>A]GTTTATATCAGATAATGAAAGTTTTAACCCTTCATTGTGGGAGGAACAGAGGAAACAGCG-3'